The following is an entry in ClinVar:

NM_014989.7(RIMS1):c.1241C>T (p.Pro414Leu)

Gene: RIMS1 (regulating synaptic membrane exocytosis 1; plus strand). Cytogenetic location: 6q13.
Variant type: single nucleotide variant.
Coding change: c.1241C>T on transcript NM_014989.7 (MANE Select); coding-DNA position 1241, C replaced by T.
Protein change: p.Pro414Leu; replaces proline 414 with leucine.
Molecular consequence: missense variant.
Genome position (GRCh38, 1-based): chr6:72,182,712, C>T. VCF-style: chr6-72182712-C-T. GRCh37 (hg19) VCF-style: chr6-72892415-C-T.
Other names: short protein forms P414L.
Identifiers: ClinVar variation 1511924 (VCV001511924.8), dbSNP rs915042810, ClinGen allele CA141417526.

ClinVar aggregate classification (germline): Uncertain significance (1 of 4 stars; one submission).

Allele frequency attached by ClinVar (database versions not stated): gnomAD 0.00001.
gnomAD v4.1: 3 of 1,513,886 alleles (0.0002%); highest among the groups gnomAD compares: African/African-American, 0.0014%; no homozygotes.

Submission:

Labcorp Genetics (formerly Invitae), Labcorp
Classification: Uncertain significance. Last evaluated: 2024-07-01. Review status: criteria provided, single submitter. Criteria: Invitae Variant Classification Sherloc (09022015). Collection method: clinical testing. Allele origin: germline.
Comment: This sequence change replaces proline, which is neutral and non-polar, with leucine, which is neutral and non-polar, at codon 414 of the RIMS1 protein (p.Pro414Leu). This variant is not present in population databases (gnomAD no frequency). This variant has not been reported in the literature in individuals affected with RIMS1-related conditions. ClinVar contains an entry for this variant (Variation ID: 1511924). An algorithm developed to predict the effect of missense changes on protein structure and function (PolyPhen-2) suggests that this variant is likely to be tolerated. In summary, the available evidence is currently insufficient to determine the role of this variant in disease. Therefore, it has been classified as a Variant of Uncertain Significance.